The following is an entry in ClinVar:

ClinVar aggregate classification (germline): Likely benign. Review status: criteria provided, multiple submitters, no conflicts (2 of 4 stars). 2 submissions from 2 submitters: Likely benign (2). Last evaluated 2023-06-20.

Allele frequency attached by ClinVar (database versions not stated): ExAC 0.00003; gnomAD 0.00003 and 0.00004; gnomAD exomes 0.00003; TOPMed 0.00003.
gnomAD v4.1: 24 of 1,613,308 alleles (0.0015%); highest among the groups gnomAD compares: Non-Finnish European, 0.0019%; no homozygotes.

Submissions (2):

Labcorp Genetics (formerly Invitae), Labcorp
Classification: Likely benign. Last evaluated: 2023-06-20. Review status: criteria provided, single submitter. Criteria: Invitae Variant Classification Sherloc (09022015). Collection method: clinical testing. Allele origin: germline.

GeneDx
Classification: Likely benign. Last evaluated: 2018-03-05. Review status: criteria provided, single submitter. Criteria: GeneDx Variant Classification (06012015). Collection method: clinical testing. Allele origin: germline. Affected: yes.
Comment: This variant is considered likely benign or benign based on one or more of the following criteria: it is a conservative change, it occurs at a poorly conserved position in the protein, it is predicted to be benign by multiple in silico algorithms, and/or has population frequency not consistent with disease.

NM_005422.4(TECTA):c.6444C>A (p.Val2148=)

Genes: TBCEL-TECTA (TBCEL-TECTA readthrough; plus strand), TECTA (tectorin alpha; plus strand). Cytogenetic location: 11q23.3.
Variant type: single nucleotide variant.
Coding change: c.6444C>A on transcript NM_005422.4 (MANE Select); coding-DNA position 6444, C replaced by A.
Protein change: p.Val2148=; no amino-acid change (valine 2148 retained).
Molecular consequence: synonymous variant.
Genome position (GRCh38, 1-based): chr11:121,190,782, C>A. VCF-style: chr11-121190782-C-A. GRCh37 (hg19) VCF-style: chr11-121061491-C-A.
Other names: c.7386C>A, p.Val2462= (NM_001378761.1).
Identifiers: ClinVar variation 515791 (VCV000515791.5), dbSNP rs752301844, ClinGen allele CA6327992.
Genomic context (GRCh38, chr11:121,190,782, plus strand): 5'-GGAACTTCAAGTCTGGACGCTTCTTCTCATCATGATCCAGATTTCATTATGGCATTTTGT[C>A]TATAAATCAGGCACGACCTCATAATTAACTCAAGGTTGCTATATAAAGTACTGTAATTTA-3'
Protein context (NP_005413.2, residues 2138-2155): IMIQISLWHF[Val2148=]YKSGTTS